The following is an entry in ClinVar:

ClinVar aggregate classification (germline): Benign/Likely benign. Review status: criteria provided, multiple submitters, no conflicts (2 of 4 stars). 7 submissions from 7 submitters: Benign (2); Likely benign (3). 2 of the submissions do not count toward it. Last evaluated 2024-11-25.

Conditions:
PALLD-related disorder. Also called: PALLD-related condition.
Pancreatic cancer, susceptibility to, 1. Identifiers: Orphanet 1333, MedGen C1847351, MONDO:0011739, OMIM 606856.

Allele frequency attached by ClinVar (database versions not stated): 1000 Genomes Project 0.00080; 1000 Genomes Project 30x 0.00094; ESP Exome Variant Server 0.00138; TOPMed 0.00153; gnomAD exomes 0.00156; ExAC 0.00157; gnomAD 0.00287.
gnomAD v4.1: 2,878 of 1,614,042 alleles (0.18%); highest among the groups gnomAD compares: Non-Finnish European, 0.21%; 8 homozygotes.

Submissions (7):

Blueprint Genetics
Classification: Likely benign. Last evaluated: 2024-11-25. Review status: criteria provided, single submitter. Criteria: ACMG Guidelines, 2015. Collection method: clinical testing. Allele origin: germline.

CeGaT Center for Human Genetics Tuebingen
Classification: Benign. Last evaluated: 2024-10-01. Review status: criteria provided, single submitter. Criteria: CeGaT Center For Human Genetics Tuebingen Variant Classification Criteria Version 2. Collection method: clinical testing. Allele origin: germline. Affected: yes. Observed: 6 variant alleles.
Comment: PALLD: BS1, BS2

KCCC/NGS Laboratory, Kuwait Cancer Control Center
Classification: Likely benign for Pancreatic cancer, susceptibility to, 1. Last evaluated: 2023-07-07. Review status: criteria provided, single submitter. Criteria: ACMG Guidelines, 2015. Collection method: clinical testing. Allele origin: germline. Affected: yes.

Illumina Laboratory Services, Illumina
Classification: Benign for Pancreatic cancer, susceptibility to, 1. Last evaluated: 2018-01-13. Review status: criteria provided, single submitter. Criteria: ICSL Variant Classification Criteria 13 December 2019. Collection method: clinical testing. Allele origin: germline.
Comment: This variant was observed in the ICSL laboratory as part of a predisposition screen in an ostensibly healthy population. It had not been previously curated by ICSL or reported in the Human Gene Mutation Database (HGMD: prior to June 1st, 2018), and was therefore a candidate for classification through an automated scoring system. Utilizing variant allele frequency, disease prevalence and penetrance estimates, and inheritance mode, an automated score was calculated to assess if this variant is too frequent to cause the disease. Based on the score and internal cut-off values, a variant classified as benign is not then subjected to further curation. The score for this variant resulted in a classification of benign for this disease.

GeneDx
Classification: Likely benign. Last evaluated: 2014-02-15. Review status: criteria provided, single submitter. Criteria: GeneDx Variant Classification (06012015). Collection method: clinical testing. Allele origin: germline. Affected: yes.
Comment: This variant is considered likely benign or benign based on one or more of the following criteria: it is a conservative change, it occurs at a poorly conserved position in the protein, it is predicted to be benign by multiple in silico algorithms, and/or has population frequency not consistent with disease.

PreventionGenetics, part of Exact Sciences
Classification: Likely benign for PALLD-related condition. Last evaluated: 2019-11-22. Review status: no assertion criteria provided. Collection method: clinical testing. Allele origin: germline. Not counted in ClinVar's aggregate classification.
Comment: This variant is classified as likely benign based on ACMG/AMP sequence variant interpretation guidelines (Richards et al. 2015 PMID: 25741868, with internal and published modifications).

Department of Pathology and Laboratory Medicine, Sinai Health System
Classification: Likely benign. Review status: no assertion criteria provided. Collection method: clinical testing. Allele origin: unknown. Affected: yes. Study: The Canadian Open Genetics Repository (COGR). Not counted in ClinVar's aggregate classification.
Comment: The PALLD p.Arg255His variant was not identified in the literature nor was it identified in Cosmic. The variant was identified in dbSNP (ID: rs146018183), ClinVar (classified as likely benign by GeneDx and Illumina for pancreatic cancer) and LOVD 3.0 (classified as likely benign). The variant was also identified in control databases in 481 of 281742 chromosomes (1 homozygous) at a frequency of 0.001707 increasing the likelihood this could be a low frequency benign variant (Genome Aggregation Database Feb 27, 2017). The variant was observed in the following populations: Ashkenazi Jewish in 35 of 10312 chromosomes (freq: 0.003394), European (non-Finnish) in 355 of 128284 chromosomes (freq: 0.002767), European (Finnish) in 47 of 25098 chromosomes (freq: 0.001873), Other in 13 of 7188 chromosomes (freq: 0.001809), Latino in 20 of 35410 chromosomes (freq: 0.000565), African in 10 of 24922 chromosomes (freq: 0.000401) and South Asian in 1 of 30580 chromosomes (freq: 0.000033), but was not observed in the East Asian population. The p.Arg255 residue is not conserved in mammals and computational analyses (PolyPhen-2, SIFT, AlignGVGD, BLOSUM, MutationTaster) do not suggest a high likelihood of impact to the protein; however, this information is not predictive enough to rule out pathogenicity. The variant occurs outside of the splicing consensus sequence and in silico or computational prediction software programs (SpliceSiteFinder, MaxEntScan, NNSPLICE, GeneSplicer) do not predict a difference in splicing. In summary, based on the above information the clinical significance of this variant cannot be determined with certainty at this time although we would lean towards a more benign role for this variant. This variant is classified as likely benign.

NM_001166108.2(PALLD):c.764G>A (p.Arg255His)

Gene: PALLD (palladin, cytoskeletal associated protein; plus strand). Cytogenetic location: 4q32.3.
Variant type: single nucleotide variant.
Coding change: c.764G>A on transcript NM_001166108.2 (MANE Select); coding-DNA position 764, G replaced by A.
Protein change: p.Arg255His; replaces arginine 255 with histidine.
Molecular consequence: missense variant.
Genome position (GRCh38, 1-based): chr4:168,512,268, G>A. VCF-style: chr4-168512268-G-A. GRCh37 (hg19) VCF-style: chr4-169433419-G-A.
Other names: p.R255H:CGC>CAC; c.764G>A, p.Arg255His (NM_016081.4); short protein forms R255H.
Identifiers: ClinVar variation 128114 (VCV000128114.33), dbSNP rs146018183, ClinGen allele CA288379.